The following is an entry in ClinVar:

NM_000169.3(GLA):c.338T>C (p.Phe113Ser)

Genes: GLA (galactosidase alpha; minus strand), RPL36A-HNRNPH2 (RPL36A-HNRNPH2 readthrough; plus strand). Cytogenetic location: Xq22.1.
Variant type: single nucleotide variant.
Coding change: c.338T>C on transcript NM_000169.3 (MANE Select); coding-DNA position 338, T replaced by C.
Protein change: p.Phe113Ser; replaces phenylalanine 113 with serine.
Molecular consequence: missense variant. On other transcripts: non-coding transcript variant (3), intron variant (2).
Genome position (GRCh38, 1-based): chrX:101,403,842, A>G on the plus strand (T>C on the coding strand, the complement: GLA is on the minus strand). VCF-style: chrX-101403842-A-G. GRCh37 (hg19) VCF-style: chrX-100658830-A-G.
Other names: c.461T>C, p.Phe154Ser (NM_001406747.1, NM_001406749.1); c.338T>C, p.Phe113Ser (NM_001406748.1); c.301-8094A>G (NM_001199973.2); c.178-8094A>G (NM_001199974.2); short protein forms F113S, F154S.
Identifiers: ClinVar variation 1459744 (VCV001459744.8), dbSNP rs2147480502, ClinGen allele CA413933031.
Genomic context (GRCh38, chrX:101,403,842, plus strand): 5'-ATGAACAAGAACATTATCTATAAACTCACATAATTAGCTAGCTGGCGAATCCCATGAGGA[A>G]AGCGCTGAGGGTCTGCCTGAAGTCTGCCTTCTGAATCTCTTTGGGGAGCCATCCAACAGT-3'
Protein context (NP_000160.1, residues 103-123): EGRLQADPQR[Phe113Ser]PHGIRQLANY

ClinVar aggregate classification (germline): Pathogenic/Likely pathogenic. Review status: criteria provided, multiple submitters, no conflicts (2 of 4 stars). 2 submissions from 2 submitters: Pathogenic (1); Likely pathogenic (1). Last evaluated 2026-09-08.

Conditions:
Fabry disease. Also called: Ceramide trihexosidosis; ALPHA-GALACTOSIDASE A DEFICIENCY; ANDERSON-FABRY DISEASE; CERAMIDE TRIHEXOSIDASE DEFICIENCY; GLA DEFICIENCY; HEREDITARY DYSTOPIC LIPIDOSIS. Identifiers: Orphanet 324, MedGen C0002986, MONDO:0010526, OMIM 301500, HP:0001071. Disease mechanism: Fabry disease is due to inactivating mutations in the X-linked GLA gene resulting in deficiency of the enzyme Alpha Galactosidase-A., loss of function.

Submissions (2):

Genomenon, Inc
Classification: Likely pathogenic for Fabry disease. Last evaluated: 2026-09-08. Review status: criteria provided, single submitter. Criteria: Genomenon Sequence Variant Interpretation Standards - Updated. Collection method: curation. Allele origin: germline. Affected: yes.
Comment: GLA p.Phe113Ser (c.338T>C) is a missense variant that changes the amino acid at codon 113 from Phenylalanine to Serine. This variant has been observed in at least one proband with clinical features consistent with Fabry disease (PMID:30386727;12428061;30988410). At least one functional study has demonstrated a substantial alteration in protein function relative to the wild-type (PMID:21598360;27657681). It is absent or not present at a significant frequency in gnomAD. In silico models predict that this variant is possibly or probably damaging. In conclusion, we classify GLA p.Phe113Ser (c.338T>C) as a likely pathogenic variant.

Labcorp Genetics (formerly Invitae), Labcorp
Classification: Pathogenic for Fabry disease. Last evaluated: 2025-08-11. Review status: criteria provided, single submitter. Criteria: Invitae Variant Classification Sherloc (09022015). Collection method: clinical testing. Allele origin: germline.
Comment: This sequence change replaces phenylalanine, which is neutral and non-polar, with serine, which is neutral and polar, at codon 113 of the GLA protein (p.Phe113Ser). This variant is not present in population databases (gnomAD no frequency). This missense change has been observed in individual(s) with clinical features of Fabry disease (PMID: 11668641, 12428061, 30386727). ClinVar contains an entry for this variant (Variation ID: 1459744). Invitae Evidence Modeling of protein sequence and biophysical properties (such as structural, functional, and spatial information, amino acid conservation, physicochemical variation, residue mobility, and thermodynamic stability) indicates that this missense variant is expected to disrupt GLA protein function with a positive predictive value of 80%. Experimental studies have shown that this missense change affects GLA function (PMID: 21598360). This variant disrupts the p.Phe113 amino acid residue in GLA. Other variant(s) that disrupt this residue have been determined to be pathogenic (PMID: 16773563, 17555407, 32099817). This suggests that this residue is clinically significant, and that variants that disrupt this residue are likely to be disease-causing. For these reasons, this variant has been classified as Pathogenic.

Literature cited by the submitters: PubMed 30386727 (cited by Genomenon, Inc and Labcorp Genetics (formerly Invitae), Labcorp); PubMed 12428061 (cited by Genomenon, Inc and Labcorp Genetics (formerly Invitae), Labcorp); PubMed 30988410 (cited by Genomenon, Inc); PubMed 21598360 (cited by Genomenon, Inc and Labcorp Genetics (formerly Invitae), Labcorp); PubMed 27657681 (cited by Genomenon, Inc); PubMed 11668641 (cited by Labcorp Genetics (formerly Invitae), Labcorp); PubMed 16773563 (cited by Labcorp Genetics (formerly Invitae), Labcorp); PubMed 17555407 (cited by Labcorp Genetics (formerly Invitae), Labcorp); PubMed 32099817 (cited by Labcorp Genetics (formerly Invitae), Labcorp).